The following is an entry in ClinVar:

NM_000342.4(SLC4A1):c.2641_2647del (p.Val881fs)

Gene: SLC4A1 (solute carrier family 4 member 1 (Diego blood group); minus strand). Cytogenetic location: 17q21.31.
Variant type: Deletion.
Coding change: c.2641_2647del on transcript NM_000342.4 (MANE Select); coding-DNA positions 2641 to 2647, 7 bases deleted (GTGGAGC; older notation c.2641_2647delGTGGAGC).
Protein change: p.Val881fs; shifts the reading frame from valine 881.
Molecular consequence: frameshift variant.
Genome position (GRCh38, 1-based): chr17:44,251,167-44,251,173, GCTCCAC deleted on the plus strand (GTGGAGC on the coding strand, the reverse complement: SLC4A1 is on the minus strand); deleting any 7 consecutive bases within chr17:44,251,167-44,251,174 gives the same sequence; the c. name uses the placement nearest the transcript's 3' end. VCF-style (leftmost placement, unchanged base first): chr17-44251166-AGCTCCAC-A. GRCh37 (hg19) VCF-style: chr17-42328534-AGCTCCAC-A.
Other names: short protein forms V881fs.
Identifiers: ClinVar variation 2847171 (VCV002847171.3), dbSNP rs2509958211, ClinGen allele CA2739267569.

ClinVar aggregate classification (germline): Uncertain significance (1 of 4 stars; one submission).

Submission:

Labcorp Genetics (formerly Invitae), Labcorp
Classification: Uncertain significance. Last evaluated: 2023-03-18. Review status: criteria provided, single submitter. Criteria: Invitae Variant Classification Sherloc (09022015). Collection method: clinical testing. Allele origin: germline.
Comment: This sequence change results in a frameshift in the SLC4A1 gene (p.Val881Phefs*145). While this is not anticipated to result in nonsense mediated decay, it is expected to disrupt the last 31 amino acid(s) of the SLC4A1 protein and extend the protein by 113 additional amino acid residues. This variant is not present in population databases (gnomAD no frequency). This variant has not been reported in the literature in individuals affected with SLC4A1-related conditions. Experimental studies and prediction algorithms are not available or were not evaluated, and the functional significance of this variant is currently unknown. In summary, the available evidence is currently insufficient to determine the role of this variant in disease. Therefore, it has been classified as a Variant of Uncertain Significance.